The following is an entry in ClinVar:

NM_139343.3(BIN1):c.385T>C (p.Tyr129His)

Gene: BIN1 (bridging integrator 1; minus strand). Cytogenetic location: 2q14.3.
Variant type: single nucleotide variant.
Coding change: c.385T>C on transcript NM_139343.3 (MANE Select); coding-DNA position 385, T replaced by C.
Protein change: p.Tyr129His; replaces tyrosine 129 with histidine.
Molecular consequence: missense variant.
Genome position (GRCh38, 1-based): chr2:127,070,021, A>G on the plus strand (T>C on the coding strand, the complement: BIN1 is on the minus strand). VCF-style: chr2-127070021-A-G. GRCh37 (hg19) VCF-style: chr2-127827597-A-G.
Other names: c.385T>C, p.Tyr129His (NM_001320632.2, NM_001320633.2, NM_001320640.2 and 10 more transcripts); c.313T>C, p.Tyr105His (NM_001320634.1); c.304T>C, p.Tyr102His (NM_001320642.1); short protein forms Y105H, Y102H, Y129H.
Identifiers: ClinVar variation 1521185 (VCV001521185.6), dbSNP rs2105069995, ClinGen allele CA348368849.

ClinVar aggregate classification (germline): Uncertain significance (1 of 4 stars; one submission).

Conditions:
Myopathy, centronuclear, 2 (CNM2). Also called: MYOTUBULAR MYOPATHY, AUTOSOMAL RECESSIVE. Identifiers: Orphanet 169186, MedGen CN031787, MONDO:0009709, OMIM 255200.

Submission:

Labcorp Genetics (formerly Invitae), Labcorp
Classification: Uncertain significance for Myopathy, centronuclear, 2. Last evaluated: 2021-08-31. Review status: criteria provided, single submitter. Criteria: Invitae Variant Classification Sherloc (09022015). Collection method: clinical testing. Allele origin: germline.
Comment: In summary, the available evidence is currently insufficient to determine the role of this variant in disease. Therefore, it has been classified as a Variant of Uncertain Significance. Algorithms developed to predict the effect of missense changes on protein structure and function are either unavailable or do not agree on the potential impact of this missense change (SIFT: "Deleterious"; PolyPhen-2: "Probably Damaging"; Align-GVGD: "Class C0"). This variant has not been reported in the literature in individuals affected with BIN1-related conditions. This variant is not present in population databases (ExAC no frequency). This sequence change replaces tyrosine with histidine at codon 129 of the BIN1 protein (p.Tyr129His). The tyrosine residue is highly conserved and there is a moderate physicochemical difference between tyrosine and histidine.